The following is an entry in ClinVar:

NM_153252.5(BRWD3):c.3762TAA[1] (p.Asn1255del)

Gene: BRWD3 (bromodomain and WD repeat domain containing 3; minus strand). Cytogenetic location: Xq21.1.
Variant type: Microsatellite.
Coding change: c.3762TAA[1] on transcript NM_153252.5 (MANE Select); one copy of the 3-base unit TAA starting at c.3762; the reference has two copies in a row; one copy, 3 bases deleted.
Protein change: p.Asn1255del; deletes asparagine 1255.
Genome position (GRCh38, 1-based): chrX:80,689,808-80,689,810, TTA deleted on the plus strand (TAA on the coding strand, the reverse complement: BRWD3 is on the minus strand); deleting any 3 consecutive bases within chrX:80,689,808-80,689,814 gives the same sequence; the position shown is the placement nearest the transcript's 3' end. VCF-style (leftmost placement, unchanged base first): chrX-80689807-TTTA-T. GRCh37 (hg19) VCF-style: chrX-79945306-TTTA-T.
Other names: short protein forms N1255del.
Identifiers: ClinVar variation 3365465 (VCV003365465.1).

ClinVar aggregate classification (germline): Uncertain significance (1 of 4 stars; one submission).

Submission:

GeneDx
Classification: Uncertain significance. Last evaluated: 2023-12-11. Review status: criteria provided, single submitter. Criteria: GeneDx Variant Classification Process June 2021. Collection method: clinical testing. Allele origin: germline. Affected: yes.
Comment: Not observed at significant frequency in large population cohorts (gnomAD); In-frame deletion of 1 amino acid in a non-repeat region; In silico analysis supports a deleterious effect on protein structure/function; Has not been previously published as pathogenic or benign to our knowledge